The following is an entry in ClinVar:

ClinVar aggregate classification (germline): Likely pathogenic (1 of 4 stars; one submission).

Conditions:
Autosomal dominant Alport syndrome (ATS3A). Also called: ALPORT SYNDROME 3A, AUTOSOMAL DOMINANT; Alport syndrome dominant type; Renal failure and sensorineural hearing loss. Identifiers: Orphanet 63, Orphanet 88918, MedGen C5882663, MONDO:0007086, OMIM 104200.

Submission:

MVZ Medizinische Genetik Mainz
Classification: Likely pathogenic for Autosomal dominant Alport syndrome. Last evaluated: 2025-03-12. Review status: criteria provided, single submitter. Criteria: UK Practice Guidelines For Variant Classification V4 01 2020. Collection method: clinical testing. Allele origin: germline. Inheritance: Autosomal dominant inheritance. Affected: yes. Observed: 1 variant allele.
Comment: ACMG Criteria: PVS1,PM2_SUP

NM_000091.5(COL4A3):c.1557del (p.Gly520fs)

Genes: MFF-DT (MFF divergent transcript; minus strand), COL4A3 (collagen type IV alpha 3 chain; plus strand). Cytogenetic location: 2q36.3.
Variant type: Deletion.
Coding change: c.1557del on transcript NM_000091.5 (MANE Select); coding-DNA position 1557, one base deleted (A; older notation c.1557delA).
Protein change: p.Gly520fs; shifts the reading frame from glycine 520.
Molecular consequence: frameshift variant.
Genome position (GRCh38, 1-based): chr2:227,269,962, A deleted. VCF-style (leftmost placement, unchanged base first): chr2-227269961-CA-C. GRCh37 (hg19) VCF-style: chr2-228134677-CA-C.
Other names: short protein forms G520fs.
Identifiers: ClinVar variation 3774570 (VCV003774570.1).